The following is an entry in ClinVar:

ClinVar aggregate classification (germline): Likely benign (1 of 4 stars; one submission).

Submission:

CeGaT Center for Human Genetics Tuebingen
Classification: Likely benign. Last evaluated: 2026-09-01. Review status: criteria provided, single submitter. Criteria: CeGaT Center For Human Genetics Tuebingen Variant Classification Criteria Version 2. Collection method: clinical testing. Allele origin: germline. Affected: yes. Observed: 4 variant alleles.
Comment: MZT2B: BP4, BP7

NM_025029.5(MZT2B):c.319+1112G>A

Gene: MZT2B (mitotic spindle organizing protein 2B; plus strand). Cytogenetic location: 2q21.1.
Variant type: single nucleotide variant.
Coding change: c.319+1112G>A on transcript NM_025029.5 (MANE Select); 1112 bases into the intron after coding-DNA position 319, G replaced by A.
Molecular consequence: intron variant. On other transcripts: synonymous variant (1).
Genome position (GRCh38, 1-based): chr2:130,183,887, G>A. VCF-style: chr2-130183887-G-A. GRCh37 (hg19) VCF-style: chr2-130941460-G-A.
Other names: c.420G>A, p.Pro140= (NM_001330282.2); c.170+1435G>A (NM_001330284.2).
Identifiers: ClinVar variation 4820992 (VCV004820992.4).